The following is an entry in ClinVar:

NM_024420.3(PLA2G4A):c.1891G>A (p.Glu631Lys)

Gene: PLA2G4A (phospholipase A2 group IVA; plus strand). Cytogenetic location: 1q31.1.
Variant type: single nucleotide variant.
Coding change: c.1891G>A on transcript NM_024420.3 (MANE Select); coding-DNA position 1891, G replaced by A.
Protein change: p.Glu631Lys; replaces glutamic acid 631 with lysine.
Molecular consequence: missense variant.
Genome position (GRCh38, 1-based): chr1:186,977,719, G>A. VCF-style: chr1-186977719-G-A. GRCh37 (hg19) VCF-style: chr1-186946851-G-A.
Other names: c.1711G>A, p.Glu571Lys (NM_001311193.2); short protein forms E631K, E571K.
Identifiers: ClinVar variation 2786271 (VCV002786271.3), dbSNP rs2526624123, ClinGen allele CA343944940.

ClinVar aggregate classification (germline): Uncertain significance (1 of 4 stars; one submission).

Allele frequency attached by ClinVar (database versions not stated): gnomAD exomes 0.00002.
gnomAD v4.1: 24 of 1,613,786 alleles (0.0015%); highest among the groups gnomAD compares: Non-Finnish European, 0.0019%; no homozygotes.

Submission:

Labcorp Genetics (formerly Invitae), Labcorp
Classification: Uncertain significance. Last evaluated: 2022-11-19. Review status: criteria provided, single submitter. Criteria: Invitae Variant Classification Sherloc (09022015). Collection method: clinical testing. Allele origin: germline.
Comment: This sequence change replaces glutamic acid, which is acidic and polar, with lysine, which is basic and polar, at codon 631 of the PLA2G4A protein (p.Glu631Lys). In summary, the available evidence is currently insufficient to determine the role of this variant in disease. Therefore, it has been classified as a Variant of Uncertain Significance. Advanced modeling of protein sequence and biophysical properties (such as structural, functional, and spatial information, amino acid conservation, physicochemical variation, residue mobility, and thermodynamic stability) has been performed at Invitae for this missense variant, however the output from this modeling did not meet the statistical confidence thresholds required to predict the impact of this variant on PLA2G4A protein function. This variant has not been reported in the literature in individuals affected with PLA2G4A-related conditions. This variant is not present in population databases (gnomAD no frequency).